The following is an entry in ClinVar:

NM_001458.5(FLNC):c.6024G>C (p.Lys2008Asn)

Genes: FLNC (filamin C; plus strand), FLNC-AS1 (FLNC antisense RNA 1; minus strand). Cytogenetic location: 7q32.1.
Variant type: single nucleotide variant.
Coding change: c.6024G>C on transcript NM_001458.5 (MANE Select); coding-DNA position 6024, G replaced by C.
Protein change: p.Lys2008Asn; replaces lysine 2008 with asparagine.
Molecular consequence: missense variant.
Genome position (GRCh38, 1-based): chr7:128,852,847, G>C. VCF-style: chr7-128852847-G-C. GRCh37 (hg19) VCF-style: chr7-128492901-G-C.
Other names: c.5925G>C, p.Lys1975Asn (NM_001127487.2); short protein forms K1975N, K2008N.
Identifiers: ClinVar variation 3898634 (VCV003898634.7).

ClinVar aggregate classification (germline): Uncertain significance (1 of 4 stars; one submission).

Submission:

CeGaT Center for Human Genetics Tuebingen
Classification: Uncertain significance. Last evaluated: 2025-04-01. Review status: criteria provided, single submitter. Criteria: CeGaT Center For Human Genetics Tuebingen Variant Classification Criteria Version 2. Collection method: clinical testing. Allele origin: germline. Affected: yes. Observed: 1 variant allele.
Comment: FLNC: PM2